The following is an entry in ClinVar:

NM_003579.4(RAD54L):c.100A>C (p.Lys34Gln)

Gene: RAD54L (RAD54 like; plus strand). Cytogenetic location: 1p34.1.
Variant type: single nucleotide variant.
Coding change: c.100A>C on transcript NM_003579.4 (MANE Select); coding-DNA position 100, A replaced by C.
Protein change: p.Lys34Gln; replaces lysine 34 with glutamine.
Molecular consequence: missense variant. On other transcripts: 5 prime UTR variant (1).
Genome position (GRCh38, 1-based): chr1:46,250,009, A>C. VCF-style: chr1-46250009-A-C. GRCh37 (hg19) VCF-style: chr1-46715681-A-C.
Other names: c.100A>C, p.Lys34Gln (NM_001142548.2); c.-441A>C (NM_001370766.1); short protein forms K34Q.
Identifiers: ClinVar variation 1795670 (VCV001795670.2), dbSNP rs2525632295, ClinGen allele CA340175379.

ClinVar aggregate classification (germline): Uncertain significance (1 of 4 stars; one submission).

Submission:

Ambry Genetics
Classification: Uncertain significance. Last evaluated: 2021-06-29. Review status: criteria provided, single submitter. Criteria: Ambry Variant Classification Scheme 2023. Collection method: clinical testing. Allele origin: germline.
Comment: The p.K34Q variant (also known as c.100A>C), located in coding exon 3 of the RAD54L gene, results from an A to C substitution at nucleotide position 100. The lysine at codon 34 is replaced by glutamine, an amino acid with similar properties. This amino acid position is conserved. In addition, this alteration is predicted to be tolerated by in silico analysis. Since supporting evidence is limited at this time, the clinical significance of this alteration remains unclear.